The following is an entry in ClinVar:

NM_005534.4(IFNGR2):c.568G>C (p.Gly190Arg)

Gene: IFNGR2 (interferon gamma receptor 2; plus strand). Cytogenetic location: 21q22.11.
Variant type: single nucleotide variant.
Coding change: c.568G>C on transcript NM_005534.4 (MANE Select); coding-DNA position 568, G replaced by C.
Protein change: p.Gly190Arg; replaces glycine 190 with arginine.
Molecular consequence: missense variant.
Genome position (GRCh38, 1-based): chr21:33,432,183, G>C. VCF-style: chr21-33432183-G-C. GRCh37 (hg19) VCF-style: chr21-34804490-G-C.
Other names: c.625G>C, p.Gly209Arg (NM_001329128.2); short protein forms G209R, G190R.
Identifiers: ClinVar variation 2135916 (VCV002135916.4), dbSNP rs2516950930, ClinGen allele CA410111709.

ClinVar aggregate classification (germline): Uncertain significance (1 of 4 stars; one submission).

Conditions:
Immunodeficiency 28 (IMD28). Also called: IFNGR2 DEFICIENCY. Identifiers: Orphanet 319547, Orphanet 319574, MedGen C4013947, MONDO:0013953, OMIM 614889.

Submission:

Labcorp Genetics (formerly Invitae), Labcorp
Classification: Uncertain significance for Immunodeficiency 28. Last evaluated: 2022-06-09. Review status: criteria provided, single submitter. Criteria: Invitae Variant Classification Sherloc (09022015). Collection method: clinical testing. Allele origin: germline.
Comment: In summary, the available evidence is currently insufficient to determine the role of this variant in disease. Therefore, it has been classified as a Variant of Uncertain Significance. Algorithms developed to predict the effect of missense changes on protein structure and function output the following: SIFT: "Tolerated"; PolyPhen-2: "Benign"; Align-GVGD: "Class C0". The arginine amino acid residue is found in multiple mammalian species, which suggests that this missense change does not adversely affect protein function. This variant has not been reported in the literature in individuals affected with IFNGR2-related conditions. This variant is not present in population databases (gnomAD no frequency). This sequence change replaces glycine, which is neutral and non-polar, with arginine, which is basic and polar, at codon 190 of the IFNGR2 protein (p.Gly190Arg).